The following is an entry in ClinVar:

NM_000219.6(KCNE1):c.35T>A (p.Phe12Tyr)

Gene: KCNE1 (potassium voltage-gated channel subfamily E regulatory subunit 1; minus strand). Cytogenetic location: 21q22.12.
Variant type: single nucleotide variant.
Coding change: c.35T>A on transcript NM_000219.6 (MANE Select); coding-DNA position 35, T replaced by A.
Protein change: p.Phe12Tyr; replaces phenylalanine 12 with tyrosine.
Molecular consequence: missense variant.
Genome position (GRCh38, 1-based): chr21:34,449,600, A>T on the plus strand (T>A on the coding strand, the complement: KCNE1 is on the minus strand). VCF-style: chr21-34449600-A-T. GRCh37 (hg19) VCF-style: chr21-35821898-A-T.
Other names: c.35T>A, p.Phe12Tyr (NM_001127668.4, NM_001127669.4, NM_001127670.4 and 4 more transcripts); short protein forms F12Y.
Identifiers: ClinVar variation 3373803 (VCV003373803.2).
Genomic context (GRCh38, chr21:34,449,600, plus strand): 5'-CGGGCCAGGCCCGACATGTTGCCACCCTGCTGAACTGTCTCCTGCCACAGCTTGGTCAGA[A>T]AGGGCGTCACCGCTGTGGTGTTAGACAGGATCATCCTGGGCATTAAGGTTCCACTGCTGC-3'
Protein context (NP_000210.2, residues 2-22): ILSNTTAVTP[Phe12Tyr]LTKLWQETVQ

Conditions:
Long QT syndrome 5 (LQT5). Identifiers: Orphanet 101016, Orphanet 768, MedGen C1867904, MONDO:0013372, OMIM 613695.

Submission:

Roden Lab, Vanderbilt University Medical Center
No classification provided (evidence only). Condition: Long QT syndrome 5. Review status: no classification provided. Collection method: in vitro. Allele origin: not applicable. Functional consequence: Effect on ion channel function.
ClinVar note: "not provided" was previously submitted as the classification for the variant. However, the classification appeared to be based only on an observation of functional data so it was converted to no classification on 2025-07-30.